The following is an entry in ClinVar:

NM_000081.4(LYST):c.2440A>C (p.Ser814Arg)

Gene: LYST (lysosomal trafficking regulator; minus strand). Cytogenetic location: 1q42.3.
Variant type: single nucleotide variant.
Coding change: c.2440A>C on transcript NM_000081.4 (MANE Select); coding-DNA position 2440, A replaced by C.
Protein change: p.Ser814Arg; replaces serine 814 with arginine.
Molecular consequence: missense variant.
Genome position (GRCh38, 1-based): chr1:235,806,696, T>G on the plus strand (A>C on the coding strand, the complement: LYST is on the minus strand). VCF-style: chr1-235806696-T-G. GRCh37 (hg19) VCF-style: chr1-235969996-T-G.
Other names: c.2440A>C, p.Ser814Arg (NM_001301365.1); short protein forms S814R.
Identifiers: ClinVar variation 1387174 (VCV001387174.5), dbSNP rs2102866876, ClinGen allele CA344957233.

ClinVar aggregate classification (germline): Uncertain significance (1 of 4 stars; one submission).

Conditions:
Chédiak-Higashi syndrome (CHS). Also called: Chediak-Higashi Syndrome. Identifiers: Orphanet 167, MedGen C0007965, MONDO:0008963, OMIM 214500.

Submission:

Labcorp Genetics (formerly Invitae), Labcorp
Classification: Uncertain significance for Chédiak-Higashi syndrome. Last evaluated: 2024-02-17. Review status: criteria provided, single submitter. Criteria: Invitae Variant Classification Sherloc (09022015). Collection method: clinical testing. Allele origin: germline.
Comment: This sequence change replaces serine, which is neutral and polar, with arginine, which is basic and polar, at codon 814 of the LYST protein (p.Ser814Arg). This variant is not present in population databases (gnomAD no frequency). This variant has not been reported in the literature in individuals affected with LYST-related conditions. ClinVar contains an entry for this variant (Variation ID: 1387174). Advanced modeling of protein sequence and biophysical properties (such as structural, functional, and spatial information, amino acid conservation, physicochemical variation, residue mobility, and thermodynamic stability) performed at Invitae indicates that this missense variant is not expected to disrupt LYST protein function with a negative predictive value of 80%. In summary, the available evidence is currently insufficient to determine the role of this variant in disease. Therefore, it has been classified as a Variant of Uncertain Significance.